The following is an entry in ClinVar:

ClinVar aggregate classification (germline): Uncertain significance (1 of 4 stars; one submission).

gnomAD v4.1: 3 of 1,613,002 alleles (0.00019%); highest among the groups gnomAD compares: Non-Finnish European, 0.00025%; no homozygotes.

Submission:

Ambry Genetics
Classification: Uncertain significance. Last evaluated: 2021-12-27. Review status: criteria provided, single submitter. Criteria: Ambry Variant Classification Scheme 2023. Collection method: clinical testing. Allele origin: germline.
Comment: The p.T183I variant (also known as c.548C>T), located in coding exon 6 of the NPAT gene, results from a C to T substitution at nucleotide position 548. The threonine at codon 183 is replaced by isoleucine, an amino acid with similar properties. This amino acid position is conserved. In addition, this alteration is predicted to be tolerated by in silico analysis. Since supporting evidence is limited at this time, the clinical significance of this alteration remains unclear.

NM_002519.3(NPAT):c.548C>T (p.Thr183Ile)

Gene: NPAT (nuclear protein, coactivator of histone transcription; minus strand). Cytogenetic location: 11q22.3.
Variant type: single nucleotide variant.
Coding change: c.548C>T on transcript NM_002519.3 (MANE Select); coding-DNA position 548, C replaced by T.
Protein change: p.Thr183Ile; replaces threonine 183 with isoleucine.
Molecular consequence: missense variant.
Genome position (GRCh38, 1-based): chr11:108,189,114, G>A on the plus strand (C>T on the coding strand, the complement: NPAT is on the minus strand). VCF-style: chr11-108189114-G-A. GRCh37 (hg19) VCF-style: chr11-108059841-G-A.
Other names: c.548C>T, p.Thr183Ile (NM_001321307.1); short protein forms T183I.
Identifiers: ClinVar variation 1747842 (VCV001747842.2), dbSNP rs1467395271, ClinGen allele CA382524000.